The following is an entry in ClinVar:

ClinVar aggregate classification (germline): Likely benign. Review status: criteria provided, multiple submitters, no conflicts (2 of 4 stars). 3 submissions from 3 submitters: Likely benign (3). Last evaluated 2026-01-22.

Conditions:
ADGRV1-related disorder. Also called: ADGRV1-related condition; ADGRV1-related disorders.

Allele frequency attached by ClinVar (database versions not stated): gnomAD exomes 0.00007; ExAC 0.00011; gnomAD 0.00020 and 0.00022; TOPMed 0.00020; 1000 Genomes Project 30x 0.00062; 1000 Genomes Project 0.00080.
gnomAD v4.1: 121 of 1,611,806 alleles (0.0075%); highest among the groups gnomAD compares: African/African-American, 0.056%; no homozygotes.

Submissions (3):

Labcorp Genetics (formerly Invitae), Labcorp
Classification: Likely benign. Last evaluated: 2026-01-22. Review status: criteria provided, single submitter. Criteria: Invitae Variant Classification Sherloc (09022015). Collection method: clinical testing. Allele origin: germline.

PreventionGenetics, part of Exact Sciences
Classification: Likely benign for ADGRV1-related condition. Last evaluated: 2025-06-24. Review status: criteria provided, single submitter. Criteria: ACMG Guidelines, 2015. Collection method: clinical testing. Allele origin: germline.
Comment: This variant is classified as likely benign based on ACMG/AMP sequence variant interpretation guidelines (Richards et al. 2015 PMID: 25741868, with internal and published modifications).

Blueprint Genetics
Classification: Likely benign. Last evaluated: 2024-11-01. Review status: criteria provided, single submitter. Criteria: ACMG Guidelines, 2015. Collection method: clinical testing. Allele origin: germline.

NM_032119.4(ADGRV1):c.13485G>A (p.Ala4495=)

Gene: ADGRV1 (adhesion G protein-coupled receptor V1; plus strand). Cytogenetic location: 5q14.3.
Variant type: single nucleotide variant.
Coding change: c.13485G>A on transcript NM_032119.4 (MANE Select); coding-DNA position 13485, G replaced by A.
Protein change: p.Ala4495=; no amino-acid change (alanine 4495 retained).
Molecular consequence: synonymous variant. On other transcripts: non-coding transcript variant (1).
Genome position (GRCh38, 1-based): chr5:90,783,889, G>A. VCF-style: chr5-90783889-G-A. GRCh37 (hg19) VCF-style: chr5-90079706-G-A.
Other names: c.13485G>A (NM_032119.3).
Identifiers: ClinVar variation 1080020 (VCV001080020.11), dbSNP rs139281300, ClinGen allele CA3341536.